The following is an entry in ClinVar:

ClinVar aggregate classification (germline): Uncertain significance (1 of 4 stars; one submission).

Conditions:
Microcephaly, normal intelligence and immunodeficiency (NBS). Also called: IMMUNODEFICIENCY, MICROCEPHALY, AND CHROMOSOMAL INSTABILITY; SEEMANOVA SYNDROME II; Immunodeficiency, microcephaly with normal intelligence; Nijmegen breakage syndrome; Microcephaly with normal intelligence immunodeficiency and lymphoreticular malignancies; Nonsyndromal microcephaly autosomal recessive with normal intelligence. Identifiers: Orphanet 647, MedGen C0398791, MONDO:0009623, OMIM 251260.

Submission:

Labcorp Genetics (formerly Invitae), Labcorp
Classification: Uncertain significance for Microcephaly, normal intelligence and immunodeficiency. Last evaluated: 2023-09-01. Review status: criteria provided, single submitter. Criteria: Invitae Variant Classification Sherloc (09022015). Collection method: clinical testing. Allele origin: germline.
Comment: In summary, the available evidence is currently insufficient to determine the role of this variant in disease. Therefore, it has been classified as a Variant of Uncertain Significance. An algorithm developed to predict the effect of missense changes on protein structure and function (PolyPhen-2) suggests that this variant is likely to be disruptive. This variant has not been reported in the literature in individuals affected with NBN-related conditions. This variant is not present in population databases (gnomAD no frequency). This sequence change replaces isoleucine, which is neutral and non-polar, with threonine, which is neutral and polar, at codon 709 of the NBN protein (p.Ile709Thr).

NM_002485.5(NBN):c.2126T>C (p.Ile709Thr)

Gene: NBN (nibrin; minus strand). Cytogenetic location: 8q21.3.
Variant type: single nucleotide variant.
Coding change: c.2126T>C on transcript NM_002485.5 (MANE Select); coding-DNA position 2126, T replaced by C.
Protein change: p.Ile709Thr; replaces isoleucine 709 with threonine.
Molecular consequence: missense variant.
Genome position (GRCh38, 1-based): chr8:89,943,311, A>G on the plus strand (T>C on the coding strand, the complement: NBN is on the minus strand). VCF-style: chr8-89943311-A-G. GRCh37 (hg19) VCF-style: chr8-90955539-A-G.
Other names: c.1880T>C, p.Ile627Thr (NM_001024688.3); short protein forms I627T, I709T.
Identifiers: ClinVar variation 2755820 (VCV002755820.3), dbSNP rs2488191399, ClinGen allele CA371675574.
Genomic context (GRCh38, chr8:89,943,311, plus strand): 5'-ACCTCCATTTCCTGCCTTAGCCACTCTTCTAGTTCTGTATTCTTTCGAGCATGATGAGCT[A>G]TTAGATCTGATCCTCCAATGATGTGTGGAAGTTTTCCTGCTCCAGGATATGTGACCTATT-3'
Protein context (NP_002476.2, residues 699-719): LPHIIGGSDL[Ile709Thr]AHHARKNTEL